The following is an entry in ClinVar:

NM_032520.5(GNPTG):c.782G>C (p.Gly261Ala)

Gene: GNPTG (N-acetylglucosamine-1-phosphate transferase subunit gamma; plus strand). Cytogenetic location: 16p13.3.
Variant type: single nucleotide variant.
Coding change: c.782G>C on transcript NM_032520.5 (MANE Select); coding-DNA position 782, G replaced by C.
Protein change: p.Gly261Ala; replaces glycine 261 with alanine.
Molecular consequence: missense variant.
Genome position (GRCh38, 1-based): chr16:1,362,865, G>C. VCF-style: chr16-1362865-G-C. GRCh37 (hg19) VCF-style: chr16-1412866-G-C.
Other names: short protein forms G261A.
Identifiers: ClinVar variation 2164295 (VCV002164295.4), dbSNP rs2548191391, ClinGen allele CA394188748.
Genomic context (GRCh38, chr16:1,362,865, plus strand): 5'-ACTCTTTTTGTGGTTGGTAGGCTCATAAAGAACTCTCAAAGGAGATCAAAAGGCTGAAAG[G>C]TTTGCTCACCCAGCACGGCATCCCCTACACGAGGCCCACAGGTGAGTCACCTGTGGGGAG-3'
Protein context (NP_115909.1, residues 251-271): ELSKEIKRLK[Gly261Ala]LLTQHGIPYT

ClinVar aggregate classification (germline): Uncertain significance (1 of 4 stars; one submission).

Submission:

Labcorp Genetics (formerly Invitae), Labcorp
Classification: Uncertain significance. Last evaluated: 2025-09-08. Review status: criteria provided, single submitter. Criteria: Invitae Variant Classification Sherloc (09022015). Collection method: clinical testing. Allele origin: germline.
Comment: This sequence change replaces glycine, which is neutral and non-polar, with alanine, which is neutral and non-polar, at codon 261 of the GNPTG protein (p.Gly261Ala). This variant is not present in population databases (gnomAD no frequency). This variant has not been reported in the literature in individuals affected with GNPTG-related conditions. ClinVar contains an entry for this variant (Variation ID: 2164295). Invitae Evidence Modeling of protein sequence and biophysical properties (such as structural, functional, and spatial information, amino acid conservation, physicochemical variation, residue mobility, and thermodynamic stability) indicates that this missense variant is not expected to disrupt GNPTG protein function with a negative predictive value of 80%. In summary, the available evidence is currently insufficient to determine the role of this variant in disease. Therefore, it has been classified as a Variant of Uncertain Significance.